The following is an entry in ClinVar:

ClinVar aggregate classification (germline): Benign (1 of 4 stars; one submission).

Conditions:
Congenital myasthenic syndrome 12 (CMS12). Also called: MYASTHENIC SYNDROME, CONGENITAL, WITH TUBULAR AGGREGATES 1; Myasthenia, congenital, 12, with tubular aggregates. Identifiers: Orphanet 353327, Orphanet 590, MedGen C3552335, MONDO:0012518, OMIM 610542.

Allele frequency attached by ClinVar (database versions not stated): gnomAD 0.00547 and 0.00572; 1000 Genomes Project 0.01198.

Submission:

Illumina Laboratory Services, Illumina
Classification: Benign for Congenital myasthenic syndrome 12. Last evaluated: 2018-01-13. Review status: criteria provided, single submitter. Criteria: ICSL Variant Classification Criteria 13 December 2019. Collection method: clinical testing. Allele origin: germline.
Comment: This variant was observed in the ICSL laboratory as part of a predisposition screen in an ostensibly healthy population. It had not been previously curated by ICSL or reported in the Human Gene Mutation Database (HGMD: prior to June 1st, 2018), and was therefore a candidate for classification through an automated scoring system. Utilizing variant allele frequency, disease prevalence and penetrance estimates, and inheritance mode, an automated score was calculated to assess if this variant is too frequent to cause the disease. Based on the score and internal cut-off values, a variant classified as benign is not then subjected to further curation. The score for this variant resulted in a classification of benign for this disease.

NM_001244710.2(GFPT1):c.*2511T>A

Gene: GFPT1 (glutamine--fructose-6-phosphate transaminase 1; minus strand). Cytogenetic location: 2p13.3.
Variant type: single nucleotide variant.
Coding change: c.*2511T>A on transcript NM_001244710.2 (MANE Select); 2511 bases downstream of the stop codon, T replaced by A.
Molecular consequence: 3 prime UTR variant.
Genome position (GRCh38, 1-based): chr2:69,323,678, A>T on the plus strand (T>A on the coding strand, the complement: GFPT1 is on the minus strand). VCF-style: chr2-69323678-A-T. GRCh37 (hg19) VCF-style: chr2-69550810-A-T.
Other names: c.*2511T>A (NM_002056.4).
Identifiers: ClinVar variation 897968 (VCV000897968.4), dbSNP rs60949141, ClinGen allele CA49442504.